The following is an entry in ClinVar:

ClinVar aggregate classification (germline): Uncertain significance (1 of 4 stars; one submission).

Conditions:
Joubert syndrome. Also called: CEREBELLOPARENCHYMAL DISORDER IV; JOUBERT-BOLTSHAUSER SYNDROME; Familial aplasia of the vermis. Identifiers: Orphanet 475, MedGen C5979921, MONDO:0018772.
Meckel-Gruber syndrome. Also called: DYSENCEPHALIA SPLANCHNOCYSTICA; GRUBER SYNDROME; Dysencephalia splachnocystica. Identifiers: Orphanet 564, MedGen C0265215, MONDO:0018921.

Submission:

Labcorp Genetics (formerly Invitae), Labcorp
Classification: Uncertain significance for Joubert syndrome; Meckel-Gruber syndrome. Last evaluated: 2025-09-02. Review status: criteria provided, single submitter. Criteria: Invitae Variant Classification Sherloc (09022015). Collection method: clinical testing. Allele origin: germline.
Comment: This sequence change falls in intron 4 of the TCTN2 gene. It does not directly change the encoded amino acid sequence of the TCTN2 protein. This variant is not present in population databases (gnomAD no frequency). This variant has not been reported in the literature in individuals affected with TCTN2-related conditions. ClinVar contains an entry for this variant (Variation ID: 2942109). Algorithms developed to predict the effect of sequence changes on RNA splicing suggest that this variant may disrupt the consensus splice site. In summary, the available evidence is currently insufficient to determine the role of this variant in disease. Therefore, it has been classified as a Variant of Uncertain Significance.

NM_024809.5(TCTN2):c.464-8C>G

Gene: TCTN2 (tectonic family member 2; plus strand). Cytogenetic location: 12q24.31.
Variant type: single nucleotide variant.
Coding change: c.464-8C>G on transcript NM_024809.5 (MANE Select); 8 bases into the intron before coding-DNA position 464, C replaced by G.
Molecular consequence: intron variant.
Genome position (GRCh38, 1-based): chr12:123,679,181, C>G. VCF-style: chr12-123679181-C-G. GRCh37 (hg19) VCF-style: chr12-124163728-C-G.
Other names: c.464-8C>G (NM_001410989.1); c.461-8C>G (NM_001143850.3).
Identifiers: ClinVar variation 2942109 (VCV002942109.3), dbSNP rs2541760307, ClinGen allele CA2740097619.